The following is an entry in ClinVar:

ClinVar aggregate classification (germline): Pathogenic/Likely pathogenic. Review status: criteria provided, multiple submitters, no conflicts (2 of 4 stars). 2 submissions from 2 submitters: Pathogenic (1); Likely pathogenic (1). Last evaluated 2021-02-01.

Conditions:
Severe myoclonic epilepsy in infancy (DRVT). Also called: SEVERE MYOCLONIC EPILEPSY OF INFANCY; DEVELOPMENTAL AND EPILEPTIC ENCEPHALOPATHY 6A; Severe Myoclonic Epilepsy in Infancy (SMEI); Dravet syndrome; Epileptic encephalopathy, early infantile, 6 (Dravet syndrome). Identifiers: Orphanet 33069, MedGen C0751122, MONDO:0100135, OMIM 607208.

Submissions (2):

CeGaT Center for Human Genetics Tuebingen
Classification: Likely pathogenic. Last evaluated: 2021-02-01. Review status: criteria provided, single submitter. Criteria: CeGaT Center For Human Genetics Tuebingen Variant Classification Criteria Version 2. Collection method: clinical testing. Allele origin: germline. Affected: yes. Observed: 1 variant allele.

Center for Bioinformatics, Peking University
Classification: Pathogenic for Dravet syndrome. Last evaluated: 2014-12-20. Review status: criteria provided, single submitter. Criteria: Xu et al. (Hum Mutat. 2015). Collection method: research. Allele origin: de novo. Affected: yes. Observed: 1 variant allele. Study: University Clinical Cooperation “985 Project” PKU-2014-1-1.
Comment: Dravet syndrome (DS) probands were recruited from the outpatient and inpatient child neurology units of Peking University First Hospital from 2005 till present. The study was approved by the Ethics Committee of Peking University First Hospital and the Institutional Review Board at Peking University. Participants or their parents provided written informed consent before enrollment. We collected a total of 267 mutations from 255 families with probands diagnosed with DS in China. All probands fulfilled the clinical diagnostic criteria.

NM_001165963.4(SCN1A):c.2615C>A (p.Ser872Tyr)

Gene: SCN1A (sodium voltage-gated channel alpha subunit 1; minus strand). Cytogenetic location: 2q24.3.
Variant type: single nucleotide variant.
Coding change: c.2615C>A on transcript NM_001165963.4 (MANE Select); coding-DNA position 2615, C replaced by A.
Protein change: p.Ser872Tyr; replaces serine 872 with tyrosine.
Molecular consequence: missense variant. On other transcripts: non-coding transcript variant (1).
Genome position (GRCh38, 1-based): chr2:166,038,107, G>T on the plus strand (C>A on the coding strand, the complement: SCN1A is on the minus strand). VCF-style: chr2-166038107-G-T. GRCh37 (hg19) VCF-style: chr2-166894617-G-T.
Other names: c.2531C>A, p.Ser844Tyr (NM_001165964.3, NM_001353957.2, NM_001353958.2); c.2615C>A, p.Ser872Tyr (NM_001202435.3, NM_001353948.2); c.2582C>A, p.Ser861Tyr (NM_001353949.2, NM_001353950.2, NM_001353951.2 and 2 more transcripts); c.2579C>A, p.Ser860Tyr (NM_001353954.2, NM_001353955.2); c.2528C>A, p.Ser843Tyr (NM_001353960.2); c.173C>A, p.Ser58Tyr (NM_001353961.2); short protein forms S861Y, S872Y, S58Y, S843Y, S844Y, S860Y.
Identifiers: ClinVar variation 189949 (VCV000189949.36), dbSNP rs794726786, ClinGen allele CA303383.